The following is an entry in ClinVar:

NM_007214.5(SEC63):c.704T>C (p.Val235Ala)

Gene: SEC63 (SEC63 protein translocation regulator; minus strand). Cytogenetic location: 6q21.
Variant type: single nucleotide variant.
Coding change: c.704T>C on transcript NM_007214.5 (MANE Select); coding-DNA position 704, T replaced by C.
Protein change: p.Val235Ala; replaces valine 235 with alanine.
Molecular consequence: missense variant.
Genome position (GRCh38, 1-based): chr6:107,908,956, A>G on the plus strand (T>C on the coding strand, the complement: SEC63 is on the minus strand). VCF-style: chr6-107908956-A-G. GRCh37 (hg19) VCF-style: chr6-108230160-A-G.
Other names: short protein forms V235A.
Identifiers: ClinVar variation 2012311 (VCV002012311.4), dbSNP rs2482081097, ClinGen allele CA365184730.

ClinVar aggregate classification (germline): Uncertain significance (1 of 4 stars; one submission).

Submission:

Labcorp Genetics (formerly Invitae), Labcorp
Classification: Uncertain significance. Last evaluated: 2024-12-02. Review status: criteria provided, single submitter. Criteria: Invitae Variant Classification Sherloc (09022015). Collection method: clinical testing. Allele origin: germline.
Comment: This sequence change replaces valine, which is neutral and non-polar, with alanine, which is neutral and non-polar, at codon 235 of the SEC63 protein (p.Val235Ala). This variant is not present in population databases (gnomAD no frequency). This variant has not been reported in the literature in individuals affected with SEC63-related conditions. ClinVar contains an entry for this variant (Variation ID: 2012311). An algorithm developed to predict the effect of missense changes on protein structure and function (PolyPhen-2) suggests that this variant is likely to be tolerated. In summary, the available evidence is currently insufficient to determine the role of this variant in disease. Therefore, it has been classified as a Variant of Uncertain Significance.